The following is an entry in ClinVar:

NM_001378452.1(ITPR1):c.2495A>G (p.Glu832Gly)

Gene: ITPR1 (inositol 1,4,5-trisphosphate receptor type 1; plus strand). Cytogenetic location: 3p26.1.
Variant type: single nucleotide variant.
Coding change: c.2495A>G on transcript NM_001378452.1 (MANE Select); coding-DNA position 2495, A replaced by G.
Protein change: p.Glu832Gly; replaces glutamic acid 832 with glycine.
Molecular consequence: missense variant.
Genome position (GRCh38, 1-based): chr3:4,674,240, A>G. VCF-style: chr3-4674240-A-G. GRCh37 (hg19) VCF-style: chr3-4715924-A-G.
Other names: c.2495A>G, p.Glu832Gly (NM_001099952.4); c.2450A>G, p.Glu817Gly (NM_001168272.2, NM_002222.7); short protein forms E832G, E817G.
Identifiers: ClinVar variation 1414755 (VCV001414755.8), dbSNP rs2125216069, ClinGen allele CA351647930.

ClinVar aggregate classification (germline): Uncertain significance (1 of 4 stars; one submission).

Submission:

Labcorp Genetics (formerly Invitae), Labcorp
Classification: Uncertain significance. Last evaluated: 2021-05-03. Review status: criteria provided, single submitter. Criteria: Invitae Variant Classification Sherloc (09022015). Collection method: clinical testing. Allele origin: germline.
Comment: This variant is not present in population databases (ExAC no frequency). This variant has not been reported in the literature in individuals with ITPR1-related conditions. Algorithms developed to predict the effect of missense changes on protein structure and function are either unavailable or do not agree on the potential impact of this missense change (SIFT: "Deleterious"; PolyPhen-2: "Benign"; Align-GVGD: "Class C0"). In summary, the available evidence is currently insufficient to determine the role of this variant in disease. Therefore, it has been classified as a Variant of Uncertain Significance. This sequence change replaces glutamic acid with glycine at codon 817 of the ITPR1 protein (p.Glu817Gly). The glutamic acid residue is highly conserved and there is a moderate physicochemical difference between glutamic acid and glycine.